The following is an entry in ClinVar:

ClinVar aggregate classification (germline): Uncertain significance (1 of 4 stars; one submission).

Conditions:
Hereditary cancer-predisposing syndrome. Also called: Neoplastic Syndromes, Hereditary; Tumor predisposition; Hereditary Cancer Syndrome; Hereditary neoplastic syndrome. Identifiers: Orphanet 140162, MedGen C0027672, MeSH D009386, MONDO:0015356.

Submissions (9):

Ambry Genetics
Classification: Uncertain significance for Hereditary cancer-predisposing syndrome. Last evaluated: 2025-07-29. Review status: criteria provided, single submitter. Criteria: Ambry Variant Classification Scheme 2023. Collection method: clinical testing. Allele origin: germline.
Comment: The c.458-1G>A intronic variant results from a G to A substitution one nucleotide upstream from coding exon 3 of the CDKN2A gene. This variant occurs at the 3' terminus of the CDKN2A gene, is not expected to trigger nonsense-mediated mRNA decay, and only impacts the last four amino acids of the protein. In silico splice site analysis predicts that this alteration will weaken the native splice acceptor site; however, direct evidence is insufficient at this time (Ambry internal data). Based on the available evidence, the clinical significance of this variant remains unclear.

Dr. Peter K. Rogan Lab, Western University
No classification provided (evidence only). Condition: Melanoma. Review status: no classification provided. Collection method: in vitro. Allele origin: not applicable. Functional consequence: retained intron. Not counted in ClinVar's aggregate classification.

Dr. Peter K. Rogan Lab, Western University
No classification provided (evidence only). Condition: Melanoma. Review status: no classification provided. Collection method: in vitro. Allele origin: not applicable. Functional consequence: retained intron. Not counted in ClinVar's aggregate classification.

Dr. Peter K. Rogan Lab, Western University
No classification provided (evidence only). Condition: Squamous cell carcinoma of the head and neck. Review status: no classification provided. Collection method: in vitro. Allele origin: not applicable. Functional consequence: retained intron. Not counted in ClinVar's aggregate classification.

Dr. Peter K. Rogan Lab, Western University
No classification provided (evidence only). Condition: Squamous cell carcinoma of the head and neck. Review status: no classification provided. Collection method: in vitro. Allele origin: not applicable. Functional consequence: retained intron. Not counted in ClinVar's aggregate classification.

Dr. Peter K. Rogan Lab, Western University
No classification provided (evidence only). Condition: Squamous cell carcinoma of the head and neck. Review status: no classification provided. Collection method: in vitro. Allele origin: not applicable. Functional consequence: retained intron. Not counted in ClinVar's aggregate classification.

Dr. Peter K. Rogan Lab, Western University
No classification provided (evidence only). Condition: Squamous cell carcinoma of the head and neck. Review status: no classification provided. Collection method: in vitro. Allele origin: not applicable. Functional consequence: retained intron. Not counted in ClinVar's aggregate classification.

Dr. Peter K. Rogan Lab, Western University
No classification provided (evidence only). Condition: Cervical cancer. Review status: no classification provided. Collection method: in vitro. Allele origin: not applicable. Functional consequence: retained intron. Not counted in ClinVar's aggregate classification.

MutSpliceDB: a database of splice sites variants effects on splicing, NIH
No classification provided (evidence only). Review status: no classification provided. Collection method: in vivo. Allele origin: not applicable. Functional consequence: retained intron. Not counted in ClinVar's aggregate classification.

NM_000077.5(CDKN2A):c.458-1G>A

Gene: CDKN2A (cyclin dependent kinase inhibitor 2A; minus strand). Cytogenetic location: 9p21.3.
Variant type: single nucleotide variant.
Coding change: c.458-1G>A on transcript NM_000077.5 (MANE Select); the canonical splice acceptor site of the intron before coding-DNA position 458, G replaced by A.
Molecular consequence: splice acceptor variant.
Genome position (GRCh38, 1-based): chr9:21,968,243, C>T on the plus strand (G>A on the coding strand, the complement: CDKN2A is on the minus strand). VCF-style: chr9-21968243-C-T. GRCh37 (hg19) VCF-style: chr9-21968242-C-T.
Other names: NC_000009.11:g.21968242C>T; c.*151-1G>A (NM_001195132.2); c.*381-1G>A (NM_058197.5); c.305-1G>A (NM_001363763.2); c.*102-1G>A (NM_058195.4).
Identifiers: ClinVar variation 1174483 (VCV001174483.5), dbSNP rs2131079543, ClinGen allele CA373085086.
Genomic context (GRCh38, chr9:21,968,243, plus strand): 5'-TGATGATCTAAGTTTCCCGAGGTTTCTCAGAGCCTCTCTGGTTCTTTCAATCGGGGATGT[C>T]TGCAGAGGGCAGAAAGAAAACAGGCGTTAGAAACCTGAGGTCAAAGATGTGTGGCACATC-3'